The following is an entry in ClinVar:

NM_006096.4(NDRG1):c.469G>A (p.Val157Met)

Gene: NDRG1 (N-myc downstream regulated 1; minus strand). Cytogenetic location: 8q24.22.
Variant type: single nucleotide variant.
Coding change: c.469G>A on transcript NM_006096.4 (MANE Select); coding-DNA position 469, G replaced by A.
Protein change: p.Val157Met; replaces valine 157 with methionine.
Molecular consequence: missense variant.
Genome position (GRCh38, 1-based): chr8:133,256,845, C>T on the plus strand (G>A on the coding strand, the complement: NDRG1 is on the minus strand). VCF-style: chr8-133256845-C-T. GRCh37 (hg19) VCF-style: chr8-134269088-C-T.
Other names: c.469G>A, p.Val157Met (NM_001135242.2, NM_001374844.1, NM_001374845.1 and 1 more transcripts); c.271G>A, p.Val91Met (NM_001258432.2, NM_001374847.1); c.226G>A, p.Val76Met (NM_001258433.2); short protein forms V91M, V76M, V157M.
Identifiers: ClinVar variation 1742519 (VCV001742519.7), dbSNP rs772812099, ClinGen allele CA4886735.

ClinVar aggregate classification (germline): Uncertain significance. Review status: criteria provided, multiple submitters, no conflicts (2 of 4 stars). 2 submissions from 2 submitters: Uncertain significance (2). Last evaluated 2025-03-31.

Conditions:
Charcot-Marie-Tooth disease type 4. Also called: Charcot-Marie-Tooth, Type 4; Charcot-Marie-Tooth disease, type IV. Identifiers: Orphanet 64749, MedGen C4082197, MONDO:0018995.
Inborn genetic diseases. Identifiers: MedGen C0950123, MeSH D030342.

Allele frequency attached by ClinVar (database versions not stated): gnomAD exomes 0.00004; ExAC 0.00001; TOPMed 0.00002.
gnomAD v4.1: 56 of 1,614,184 alleles (0.0035%); highest among the groups gnomAD compares: Non-Finnish European, 0.0047%; no homozygotes.

Submissions (2):

Ambry Genetics
Classification: Uncertain significance for Inborn genetic diseases. Last evaluated: 2025-03-31. Review status: criteria provided, single submitter. Criteria: Ambry Variant Classification Scheme 2023. Collection method: clinical testing. Allele origin: germline.

Labcorp Genetics (formerly Invitae), Labcorp
Classification: Uncertain significance for Charcot-Marie-Tooth disease type 4. Last evaluated: 2024-05-31. Review status: criteria provided, single submitter. Criteria: Invitae Variant Classification Sherloc (09022015). Collection method: clinical testing. Allele origin: germline.
Comment: This sequence change replaces valine, which is neutral and non-polar, with methionine, which is neutral and non-polar, at codon 157 of the NDRG1 protein (p.Val157Met). This variant is present in population databases (rs772812099, gnomAD 0.0009%). This variant has not been reported in the literature in individuals affected with NDRG1-related conditions. ClinVar contains an entry for this variant (Variation ID: 1742519). Advanced modeling of protein sequence and biophysical properties (such as structural, functional, and spatial information, amino acid conservation, physicochemical variation, residue mobility, and thermodynamic stability) performed at Invitae indicates that this missense variant is expected to disrupt NDRG1 protein function with a positive predictive value of 80%. In summary, the available evidence is currently insufficient to determine the role of this variant in disease. Therefore, it has been classified as a Variant of Uncertain Significance.